The following is an entry in ClinVar:

NM_000057.4(BLM):c.653T>C (p.Ile218Thr)

Gene: BLM (BLM RecQ like helicase; plus strand). Cytogenetic location: 15q26.1.
Variant type: single nucleotide variant.
Coding change: c.653T>C on transcript NM_000057.4 (MANE Select); coding-DNA position 653, T replaced by C.
Protein change: p.Ile218Thr; replaces isoleucine 218 with threonine.
Molecular consequence: missense variant. On other transcripts: 5 prime UTR variant (1).
Genome position (GRCh38, 1-based): chr15:90,749,921, T>C. VCF-style: chr15-90749921-T-C. GRCh37 (hg19) VCF-style: chr15-91293151-T-C.
Other names: c.653T>C, p.Ile218Thr (NM_001287246.2, NM_001287247.2); c.-639T>C (NM_001287248.2); short protein forms I218T.
Identifiers: ClinVar variation 2166562 (VCV002166562.2), dbSNP rs1895631339, ClinGen allele CA393841261.

ClinVar aggregate classification (germline): Uncertain significance. Review status: criteria provided, multiple submitters, no conflicts (2 of 4 stars). 2 submissions from 2 submitters: Uncertain significance (2). Last evaluated 2025-02-21.

Conditions:
Hereditary cancer-predisposing syndrome. Also called: Hereditary neoplastic syndrome; Neoplastic Syndromes, Hereditary; Hereditary Cancer Syndrome; Tumor predisposition. Identifiers: Orphanet 140162, MedGen C0027672, MeSH D009386, MONDO:0015356.
Bloom syndrome (BLM). Also called: Bloom-Torre-Machacek syndrome. Identifiers: Orphanet 125, MedGen C0005859, MONDO:0008876, OMIM 210900.

Allele frequency attached by ClinVar (database versions not stated): TOPMed below 0.00001.

Submissions (2):

Ambry Genetics
Classification: Uncertain significance for Hereditary cancer-predisposing syndrome. Last evaluated: 2025-02-21. Review status: criteria provided, single submitter. Criteria: Ambry Variant Classification Scheme 2023. Collection method: clinical testing. Allele origin: germline.
Comment: The p.I218T variant (also known as c.653T>C), located in coding exon 2 of the BLM gene, results from a T to C substitution at nucleotide position 653. The isoleucine at codon 218 is replaced by threonine, an amino acid with similar properties. This amino acid position is conserved. In addition, this alteration is predicted to be tolerated by in silico analysis. Based on the available evidence, the clinical significance of this variant remains unclear.

Labcorp Genetics (formerly Invitae), Labcorp
Classification: Uncertain significance for Bloom syndrome. Last evaluated: 2021-08-31. Review status: criteria provided, single submitter. Criteria: Invitae Variant Classification Sherloc (09022015). Collection method: clinical testing. Allele origin: germline.
Comment: This sequence change replaces isoleucine with threonine at codon 218 of the BLM protein (p.Ile218Thr). The isoleucine residue is weakly conserved and there is a moderate physicochemical difference between isoleucine and threonine. This variant is not present in population databases (ExAC no frequency). This variant has not been reported in the literature in individuals affected with BLM-related conditions. Algorithms developed to predict the effect of missense changes on protein structure and function (SIFT, PolyPhen-2, Align-GVGD) all suggest that this variant is likely to be tolerated. In summary, the available evidence is currently insufficient to determine the role of this variant in disease. Therefore, it has been classified as a Variant of Uncertain Significance.